The following is an entry in ClinVar:

NM_173628.4(DNAH17):c.9978-10C>A

Gene: DNAH17 (dynein axonemal heavy chain 17; minus strand). Cytogenetic location: 17q25.3.
Variant type: single nucleotide variant.
Coding change: c.9978-10C>A on transcript NM_173628.4 (MANE Select); 10 bases into the intron before coding-DNA position 9978, C replaced by A.
Molecular consequence: intron variant.
Genome position (GRCh38, 1-based): chr17:78,455,846, G>T on the plus strand (C>A on the coding strand, the complement: DNAH17 is on the minus strand). VCF-style: chr17-78455846-G-T. GRCh37 (hg19) VCF-style: chr17-76451928-G-T.
Identifiers: ClinVar variation 3038577 (VCV003038577.3), dbSNP rs115715400, ClinGen allele CA8801035.

ClinVar aggregate classification (germline): Likely benign. Review status: criteria provided, single submitter (1 of 4 stars). 2 submissions from 2 submitters: Likely benign (1). 1 of the submissions does not count toward it. Last evaluated 2022-04-05.

Conditions:
DNAH17-related disorder. Also called: DNAH17-related condition.

Allele frequency attached by ClinVar (database versions not stated): gnomAD exomes 0.00005; ExAC 0.00016; gnomAD 0.00044; ESP Exome Variant Server 0.00054; TOPMed 0.00058; 1000 Genomes Project 30x 0.00094; 1000 Genomes Project 0.00100.
gnomAD v4.1: 141 of 1,579,066 alleles (0.0089%); highest among the groups gnomAD compares: African/African-American, 0.16%; no homozygotes.

Submissions (2):

Blueprint Genetics
Classification: Likely benign. Last evaluated: 2022-04-05. Review status: criteria provided, single submitter. Criteria: ACMG Guidelines, 2015. Collection method: clinical testing. Allele origin: germline.

PreventionGenetics, part of Exact Sciences
Classification: Likely benign for DNAH17-related condition. Last evaluated: 2019-05-24. Review status: no assertion criteria provided. Collection method: clinical testing. Allele origin: germline. Not counted in ClinVar's aggregate classification.
Comment: This variant is classified as likely benign based on ACMG/AMP sequence variant interpretation guidelines (Richards et al. 2015 PMID: 25741868, with internal and published modifications).